The following is an entry in ClinVar:

NM_000261.2(MYOC):c.906C>T (p.Asp302=)

Gene: MYOC (myocilin; minus strand). Cytogenetic location: 1q24.3.
Variant type: single nucleotide variant.
Coding change: c.906C>T on transcript NM_000261.2 (MANE Select); coding-DNA position 906, C replaced by T.
Protein change: p.Asp302=; no amino-acid change (aspartic acid 302 retained).
Molecular consequence: synonymous variant.
Genome position (GRCh38, 1-based): chr1:171,636,534, G>A on the plus strand (C>T on the coding strand, the complement: MYOC is on the minus strand). VCF-style: chr1-171636534-G-A. GRCh37 (hg19) VCF-style: chr1-171605674-G-A.
Other names: NM_000261.2:c.906C>T; c.906C>T (NM_000261.1).
Identifiers: ClinVar variation 1810368 (VCV001810368.9), dbSNP rs148433908, ClinGen allele CA1244123.

ClinVar aggregate classification (germline): Likely benign. Review status: reviewed by expert panel (3 of 4 stars). 3 submissions from 3 submitters: Likely benign (1). 2 of the submissions do not count toward it. Last evaluated 2026-01-20.

Conditions:
Open-angle glaucoma. Identifiers: MedGen C0017612, MONDO:0005338, HP:0012108.
MYOC-related disorder. Also called: MYOC-related condition; MYOC-related disorders. Identifiers: MedGen CN239330.

Allele frequency attached by ClinVar (database versions not stated): gnomAD 0.00015; ExAC 0.00019; TOPMed 0.00028; ESP Exome Variant Server 0.00031.

Submissions (3):

ClinGen Glaucoma Variant Curation Expert Panel
Classification: Likely benign for Open-angle glaucoma. Last evaluated: 2026-01-20. Review status: reviewed by expert panel. Criteria: ClinGen Glaucoma ACMG Specifications V2.0.0 Approved. Collection method: curation. Allele origin: germline. Inheritance: Autosomal dominant inheritance.
Comment: The c.906C>T variant in MYOC is a synonymous variant (p.Asp302=). The highest minor allele frequency of this variant, in a population of at least 10,000 alleles, was in the European (non-Finnish) genetic ancestry group of gnomAD (v4.1.0) = 0.000407 (479 alleles out of 1,177,046), which did not meet the PM2_Supporting allele frequency threshold (≤ 0.0001) or the BS1 allele frequency threshold (≥ 0.001). The SpliceAI score = 0, which met the ≤ 0.1 threshold for BP4, suggesting that the variant does not impact MYOC function. This synonymous variant meets BP4, so BP7 is met. There was no functional evidence predicting a damaging or benign impact of this variant on MYOC function. Although probands with primary open angle glaucoma have been reported carrying this variant, PM2_Supporting was not met, therefore PS4 did not apply. In summary, this variant met the criteria to receive a score of -2 and to be classified as likely benign (likely benign classification range -2 to -6, adapted from PMID: 32720330) for primary open angle glaucoma based on the ACMG/AMP criteria met, as specified by the ClinGen Glaucoma VCEP (v2.0.0, 5 Dec 2024): BP4, BP7

CeGaT Center for Human Genetics Tuebingen
Classification: Likely benign. Last evaluated: 2025-12-01. Review status: criteria provided, single submitter. Criteria: CeGaT Center For Human Genetics Tuebingen Variant Classification Criteria Version 2. Collection method: clinical testing. Allele origin: germline. Affected: yes. Observed: 1 variant allele. Not counted in ClinVar's aggregate classification.
Comment: MYOC: BP4, BP7

PreventionGenetics, part of Exact Sciences
Classification: Likely benign for MYOC-related condition. Last evaluated: 2019-07-12. Review status: no assertion criteria provided. Collection method: clinical testing. Allele origin: germline. Not counted in ClinVar's aggregate classification.
Comment: This variant is classified as likely benign based on ACMG/AMP sequence variant interpretation guidelines (Richards et al. 2015 PMID: 25741868, with internal and published modifications).